The following is an entry in ClinVar:

NM_003803.4(MYOM1):c.3341G>A (p.Arg1114His)

Gene: MYOM1 (myomesin 1; minus strand). Cytogenetic location: 18p11.31.
Variant type: single nucleotide variant.
Coding change: c.3341G>A on transcript NM_003803.4 (MANE Select); coding-DNA position 3341, G replaced by A.
Protein change: p.Arg1114His; replaces arginine 1114 with histidine.
Molecular consequence: missense variant.
Genome position (GRCh38, 1-based): chr18:3,112,375, C>T on the plus strand (G>A on the coding strand, the complement: MYOM1 is on the minus strand). VCF-style: chr18-3112375-C-T. GRCh37 (hg19) VCF-style: chr18-3112373-C-T.
Other names: c.3053G>A, p.Arg1018His (NM_019856.2); short protein forms R1018H, R1114H.
Identifiers: ClinVar variation 1051446 (VCV001051446.13), dbSNP rs746247312, ClinGen allele CA8874330.
Genomic context (GRCh38, chr18:3,112,375, plus strand): 5'-ACAACAGGGCCAGCAAGGTCAGATGGCTTCCCAACTCCCGCCTGGTTTATGGCTCGAACA[C>T]GGAACACGTAGCTGACGCCCTCCTTGAGGCCTCGAACCTGGTAGAAGCAGGTGTAGAAGC-3'
Protein context (NP_003794.3, residues 1104-1124): GLKEGVSYVF[Arg1114His]VRAINQAGVG

ClinVar aggregate classification (germline): Uncertain significance. Review status: criteria provided, multiple submitters, no conflicts (2 of 4 stars). 2 submissions from 2 submitters: Uncertain significance (2). Last evaluated 2025-11-12.

Conditions:
Hypertrophic cardiomyopathy. Also called: HYPERTROPHIC MYOCARDIOPATHY. Identifiers: Orphanet 217569, MedGen C0007194, MeSH D002312, MONDO:0005045, HP:0001639.

Allele frequency attached by ClinVar (database versions not stated): gnomAD 0.00001; TOPMed 0.00001.
gnomAD v4.1: 35 of 1,611,718 alleles (0.0022%); highest among the groups gnomAD compares: East Asian, 0.0067%; no homozygotes.

Submissions (2):

Labcorp Genetics (formerly Invitae), Labcorp
Classification: Uncertain significance for Hypertrophic cardiomyopathy. Last evaluated: 2025-11-12. Review status: criteria provided, single submitter. Criteria: Invitae Variant Classification Sherloc (09022015). Collection method: clinical testing. Allele origin: germline.
Comment: This sequence change replaces arginine, which is basic and polar, with histidine, which is basic and polar, at codon 1114 of the MYOM1 protein (p.Arg1114His). This variant is present in population databases (rs746247312, gnomAD 0.01%). This variant has not been reported in the literature in individuals affected with MYOM1-related conditions. ClinVar contains an entry for this variant (Variation ID: 1051446). Invitae Evidence Modeling of protein sequence and biophysical properties (such as structural, functional, and spatial information, amino acid conservation, physicochemical variation, residue mobility, and thermodynamic stability) has been performed for this missense variant. However, the output from this modeling did not meet the statistical confidence thresholds required to predict the impact of this variant on MYOM1 protein function. In summary, the available evidence is currently insufficient to determine the role of this variant in disease. Therefore, it has been classified as a Variant of Uncertain Significance.

Ambry Genetics
Classification: Uncertain significance. Last evaluated: 2025-05-15. Review status: criteria provided, single submitter. Criteria: Ambry Variant Classification Scheme 2023. Collection method: clinical testing. Allele origin: germline.
Comment: The p.R1114H variant (also known as c.3341G>A), located in coding exon 21 of the MYOM1 gene, results from a G to A substitution at nucleotide position 3341. The arginine at codon 1114 is replaced by histidine, an amino acid with highly similar properties. This amino acid position is conserved. In addition, this alteration is predicted to be deleterious by in silico analysis. Since supporting evidence is limited at this time, the clinical significance of this alteration remains unclear.